The following is an entry in ClinVar:

NM_001854.4(COL11A1):c.4140+8A>G

Gene: COL11A1 (collagen type XI alpha 1 chain; minus strand). Cytogenetic location: 1p21.1.
Variant type: single nucleotide variant.
Coding change: c.4140+8A>G on transcript NM_001854.4 (MANE Select); 8 bases into the intron after coding-DNA position 4140, A replaced by G.
Molecular consequence: intron variant.
Genome position (GRCh38, 1-based): chr1:102,898,933, T>C on the plus strand (A>G on the coding strand, the complement: COL11A1 is on the minus strand). VCF-style: chr1-102898933-T-C. GRCh37 (hg19) VCF-style: chr1-103364489-T-C.
Other names: c.4023+8A>G (NM_001190709.2); c.4176+8A>G (NM_080629.3); c.3792+8A>G (NM_080630.4).
Identifiers: ClinVar variation 4881809 (VCV004881809.2).
Genomic context (GRCh38, chr1:102,898,933, plus strand): 5'-TTTTCAAATATAATACCTTGTATATATAATATATAATATATATTATGTATATATTATTTT[T>C]TTTTTACCTTAGCACCTTTTTCACCTTGTCTTCCCTCTGCACCTGCAGCTCCAGGAGGAC-3'

ClinVar aggregate classification (germline): Uncertain significance (1 of 4 stars; one submission).

Submission:

Dasa
Classification: Uncertain significance. Last evaluated: 2024-09-30. Review status: criteria provided, single submitter. Criteria: DASA Assertion Criteria. Collection method: clinical testing. Allele origin: germline.
Comment: NM_001854.4(COL11A1):c.4140+8A>G is a splice-region variant. This variant is rare in population databases. Computational prediction algorithms are consistent with a benign effect. The currently available literature and clinical evidence are not sufficient to establish a definitive association between this variant and the reported condition. Therefore, this variant is classified as a variant of uncertain significance.